The following is an entry in ClinVar:

ClinVar aggregate classification (germline): Pathogenic/Likely pathogenic. Review status: criteria provided, multiple submitters, no conflicts (2 of 4 stars). 2 submissions from 2 submitters: Pathogenic (1); Likely pathogenic (1). Last evaluated 2023-02-13.

Conditions:
Combined malonic and methylmalonic acidemia. Identifiers: Orphanet 289504, MedGen C3280314, MONDO:0013661, OMIM 614265.

Submissions (2):

Baylor Genetics
Classification: Likely pathogenic for Combined malonic and methylmalonic acidemia. Last evaluated: 2023-02-13. Review status: criteria provided, single submitter. Criteria: ACMG Guidelines, 2015. Collection method: clinical testing. Allele origin: unknown.

Labcorp Genetics (formerly Invitae), Labcorp
Classification: Pathogenic for Combined malonic and methylmalonic acidemia. Last evaluated: 2021-11-06. Review status: criteria provided, single submitter. Criteria: Invitae Variant Classification Sherloc (09022015). Collection method: clinical testing. Allele origin: germline.
Comment: This sequence change creates a premature translational stop signal (p.Val6Cysfs*112) in the ACSF3 gene. It is expected to result in an absent or disrupted protein product. Loss-of-function variants in ACSF3 are known to be pathogenic (PMID: 21841779, 26827111). This variant is not present in population databases (gnomAD no frequency). This variant has not been reported in the literature in individuals affected with ACSF3-related conditions. For these reasons, this variant has been classified as Pathogenic.

Literature cited by the submitters: PubMed 21841779 (cited by Labcorp Genetics (formerly Invitae), Labcorp); PubMed 26827111 (cited by Labcorp Genetics (formerly Invitae), Labcorp).

NM_001243279.3(ACSF3):c.16del (p.Val6fs)

Gene: ACSF3 (acyl-CoA synthetase family member 3; plus strand). Cytogenetic location: 16q24.3.
Variant type: Deletion.
Coding change: c.16del on transcript NM_001243279.3 (MANE Select); coding-DNA position 16, one base deleted (G; older notation c.16delG).
Protein change: p.Val6fs; shifts the reading frame from valine 6.
Molecular consequence: frameshift variant. On other transcripts: non-coding transcript variant (3), intron variant (1).
Genome position (GRCh38, 1-based): chr16:89,100,697, G deleted; the last of 2 consecutive G bases (chr16:89,100,696-89,100,697); deleting either gives the same sequence. VCF-style (leftmost placement, unchanged base first): chr16-89100695-TG-T. GRCh37 (hg19) VCF-style: chr16-89167103-TG-T.
Other names: c.16del, p.Val6fs (NM_001127214.4, NM_174917.5); c.-129-1907del (NM_001284316.2); short protein forms V6fs.
Identifiers: ClinVar variation 1455778 (VCV001455778.7), dbSNP rs1338859307, ClinGen allele CA725660954.